The following is an entry in ClinVar:

ClinVar aggregate classification (germline): Uncertain significance (1 of 4 stars; one submission).

gnomAD v4.1: 15 of 1,614,100 alleles (0.00093%); highest among the groups gnomAD compares: South Asian, 0.0033%; no homozygotes.

Submission:

Labcorp Genetics (formerly Invitae), Labcorp
Classification: Uncertain significance. Last evaluated: 2022-08-31. Review status: criteria provided, single submitter. Criteria: Invitae Variant Classification Sherloc (09022015). Collection method: clinical testing. Allele origin: germline.
Comment: This sequence change replaces arginine, which is basic and polar, with glutamine, which is neutral and polar, at codon 8 of the PIGV protein (p.Arg8Gln). This variant is present in population databases (no rsID available, gnomAD 0.003%). This variant has not been reported in the literature in individuals affected with PIGV-related conditions. ClinVar contains an entry for this variant (Variation ID: 1489811). Algorithms developed to predict the effect of missense changes on protein structure and function output the following: SIFT: "Tolerated"; PolyPhen-2: "Benign"; Align-GVGD: "Class C0". The glutamine amino acid residue is found in multiple mammalian species, which suggests that this missense change does not adversely affect protein function. In summary, the available evidence is currently insufficient to determine the role of this variant in disease. Therefore, it has been classified as a Variant of Uncertain Significance.

NM_017837.4(PIGV):c.23G>A (p.Arg8Gln)

Gene: PIGV (phosphatidylinositol glycan anchor biosynthesis class V; plus strand). Cytogenetic location: 1p36.11.
Variant type: single nucleotide variant.
Coding change: c.23G>A on transcript NM_017837.4 (MANE Select); coding-DNA position 23, G replaced by A.
Protein change: p.Arg8Gln; replaces arginine 8 with glutamine.
Molecular consequence: missense variant. On other transcripts: non-coding transcript variant (2), intron variant (1).
Genome position (GRCh38, 1-based): chr1:26,790,838, G>A. VCF-style: chr1-26790838-G-A. GRCh37 (hg19) VCF-style: chr1-27117329-G-A.
Other names: c.23G>A, p.Arg8Gln (NM_001202554.2, NM_001374478.1, NM_001374480.1 and 5 more transcripts); c.-304+3032G>A (NM_001374483.1); short protein forms R8Q.
Identifiers: ClinVar variation 1489811 (VCV001489811.4), dbSNP rs368673102, ClinGen allele CA339197331.